The following is an entry in ClinVar:

NM_023110.3(FGFR1):c.2186+8C>T

Gene: FGFR1 (fibroblast growth factor receptor 1; minus strand). Cytogenetic location: 8p11.23.
Variant type: single nucleotide variant.
Coding change: c.2186+8C>T on transcript NM_023110.3 (MANE Select); 8 bases into the intron after coding-DNA position 2186, C replaced by T.
Molecular consequence: intron variant.
Genome position (GRCh38, 1-based): chr8:38,414,144, G>A on the plus strand (C>T on the coding strand, the complement: FGFR1 is on the minus strand). VCF-style: chr8-38414144-G-A. GRCh37 (hg19) VCF-style: chr8-38271662-G-A.
Other names: c.1907+8C>T (NM_001354368.2); c.1913+8C>T (NM_001354370.2, NM_023106.3); c.1919+8C>T (NM_023105.3, NM_001174066.2); c.2180+8C>T (NM_001354367.2, NM_015850.4, NM_001174063.2 and 1 more transcripts); c.2156+8C>T (NM_001174064.2); c.2174+8C>T (NM_001354369.2); c.2279+8C>T (NM_001174067.2).
Identifiers: ClinVar variation 536197 (VCV000536197.10), dbSNP rs372639138, ClinGen allele CA4718163.

ClinVar aggregate classification (germline): Likely benign. Review status: criteria provided, single submitter (1 of 4 stars). 2 submissions from 2 submitters: Likely benign (1). 1 of the submissions does not count toward it. Last evaluated 2025-06-13.

Conditions:
Pfeiffer syndrome (ACS5). Also called: ACS V. Identifiers: Orphanet 710, MedGen C0220658, MONDO:0007043, OMIM 101600.
Hypogonadotropic hypogonadism 2 with or without anosmia (HH2). Also called: HYPOGONADOTROPIC HYPOGONADISM 2 WITH OR WITHOUT ANOSMIA, SUSCEPTIBILITY TO; HYPOGONADOTROPIC HYPOGONADISM 2 WITHOUT ANOSMIA, SUSCEPTIBILITY TO; HYPOGONADOTROPIC HYPOGONADISM 2 WITHOUT ANOSMIA; FGFR1-Related GnRH Deficiency (Kallmann Syndrome 2). Identifiers: Orphanet 478, MedGen C1563720, MONDO:0007844, OMIM 147950. Disease mechanism: loss of function.
FGFR1-related disorder. Also called: FGFR1-related condition; FGFR1-related disorders. Identifiers: MedGen CN380097.

Allele frequency attached by ClinVar (database versions not stated): gnomAD exomes 0.00002; ExAC 0.00004; ESP Exome Variant Server 0.00008; TOPMed 0.00008; gnomAD 0.00011 and 0.00012; 1000 Genomes Project 30x 0.00016; 1000 Genomes Project 0.00020.
gnomAD v4.1: 47 of 1,614,098 alleles (0.0029%); highest among the groups gnomAD compares: African/African-American, 0.028%; no homozygotes.

Submissions (2):

Labcorp Genetics (formerly Invitae), Labcorp
Classification: Likely benign for Pfeiffer syndrome; Hypogonadotropic hypogonadism 2 with or without anosmia. Last evaluated: 2025-06-13. Review status: criteria provided, single submitter. Criteria: Invitae Variant Classification Sherloc (09022015). Collection method: clinical testing. Allele origin: germline.

PreventionGenetics, part of Exact Sciences
Classification: Likely benign for FGFR1-related condition. Last evaluated: 2019-07-15. Review status: no assertion criteria provided. Collection method: clinical testing. Allele origin: germline. Not counted in ClinVar's aggregate classification.
Comment: This variant is classified as likely benign based on ACMG/AMP sequence variant interpretation guidelines (Richards et al. 2015 PMID: 25741868, with internal and published modifications).